The following is an entry in ClinVar:

NM_004655.4(AXIN2):c.1902C>A (p.Pro634=)

Gene: AXIN2 (axin 2; minus strand). Cytogenetic location: 17q24.1.
Variant type: single nucleotide variant.
Coding change: c.1902C>A on transcript NM_004655.4 (MANE Select); coding-DNA position 1902, C replaced by A.
Protein change: p.Pro634=; no amino-acid change (proline 634 retained).
Molecular consequence: synonymous variant. On other transcripts: intron variant (1).
Genome position (GRCh38, 1-based): chr17:65,536,874, G>T on the plus strand (C>A on the coding strand, the complement: AXIN2 is on the minus strand). VCF-style: chr17-65536874-G-T. GRCh37 (hg19) VCF-style: chr17-63532992-G-T.
Other names: c.1713-321C>A (NM_001363813.1).
Identifiers: ClinVar variation 2165046 (VCV002165046.6), dbSNP rs1168312455, ClinGen allele CA501691039.
Genomic context (GRCh38, chr17:65,536,874, plus strand): 5'-TCCGTACTGAGTGCCCATGACCCTCGCGGCCGCGGCGGCGGCAAGCGGTGTTTACCTATG[G>T]GGCTTGGGCTTGCTCTGCCGCTCACTCTCCAGCATCCACTGCCAGACATCCTGCGACCTG-3'
Protein context (NP_004646.3, residues 624-644): LESERQSKPK[Pro634=]HSAQSTKKAY

ClinVar aggregate classification (germline): Benign/Likely benign. Review status: criteria provided, multiple submitters, no conflicts (2 of 4 stars). 3 submissions from 3 submitters: Benign (1); Likely benign (2). Last evaluated 2024-07-08.

Conditions:
Hereditary cancer-predisposing syndrome. Also called: Hereditary Cancer Syndrome; Neoplastic Syndromes, Hereditary; Tumor predisposition; Hereditary neoplastic syndrome. Identifiers: Orphanet 140162, MedGen C0027672, MeSH D009386, MONDO:0015356.
Oligodontia-cancer predisposition syndrome. Also called: TOOTH AGENESIS-COLORECTAL CANCER SYNDROME. Identifiers: Orphanet 300576, MedGen C1837750, MONDO:0012075, OMIM 608615. Disease mechanism: loss of function.

Allele frequency attached by ClinVar (database versions not stated): TOPMed below 0.00001; gnomAD 0.00001.
gnomAD v4.1: 2 of 1,613,034 alleles (0.00012%); highest among the groups gnomAD compares: East Asian, 0.0022%; no homozygotes.

Submissions (3):

Myriad Genetics, Inc.
Classification: Benign for Oligodontia-cancer predisposition syndrome. Last evaluated: 2024-07-08. Review status: criteria provided, single submitter. Criteria: Myriad Autosomal Dominant, Autosomal Recessive and X-Linked Classification Criteria (2023). Collection method: clinical testing. Allele origin: unknown.
Comment: This variant is considered benign. This variant is a silent/synonymous amino acid change and it is not expected to impact splicing.

Ambry Genetics
Classification: Likely benign for Hereditary cancer-predisposing syndrome. Last evaluated: 2024-06-30. Review status: criteria provided, single submitter. Criteria: Ambry Variant Classification Scheme 2023. Collection method: clinical testing. Allele origin: germline.

Labcorp Genetics (formerly Invitae), Labcorp
Classification: Likely benign for Oligodontia-cancer predisposition syndrome. Last evaluated: 2023-07-17. Review status: criteria provided, single submitter. Criteria: Invitae Variant Classification Sherloc (09022015). Collection method: clinical testing. Allele origin: germline.